The following is an entry in ClinVar:

NM_001105206.3(LAMA4):c.769G>C (p.Glu257Gln)

Gene: LAMA4 (laminin subunit alpha 4; minus strand). Cytogenetic location: 6q21.
Variant type: single nucleotide variant.
Coding change: c.769G>C on transcript NM_001105206.3 (MANE Select); coding-DNA position 769, G replaced by C.
Protein change: p.Glu257Gln; replaces glutamic acid 257 with glutamine.
Molecular consequence: missense variant.
Genome position (GRCh38, 1-based): chr6:112,189,155, C>G on the plus strand (G>C on the coding strand, the complement: LAMA4 is on the minus strand). VCF-style: chr6-112189155-C-G. GRCh37 (hg19) VCF-style: chr6-112510357-C-G.
Other names: c.769G>C, p.Glu257Gln (NM_001105207.3, NM_002290.5); short protein forms E257Q.
Identifiers: ClinVar variation 2625048 (VCV002625048.2), dbSNP rs1279725181, ClinGen allele CA365376673.

ClinVar aggregate classification (germline): Uncertain significance (1 of 4 stars; one submission).

Conditions:
Cardiovascular phenotype. Identifiers: MedGen CN230736.

Allele frequency attached by ClinVar (database versions not stated): gnomAD exomes below 0.00001; TOPMed below 0.00001; gnomAD 0.00001.
gnomAD v4.1: 2 of 1,613,952 alleles (0.00012%); highest among the groups gnomAD compares: African/African-American, 0.0013%; no homozygotes.

Submission:

Ambry Genetics
Classification: Uncertain significance for Cardiovascular phenotype. Last evaluated: 2023-09-05. Review status: criteria provided, single submitter. Criteria: Ambry Variant Classification Scheme 2023. Collection method: clinical testing. Allele origin: germline.
Comment: The p.E257Q variant (also known as c.769G>C), located in coding exon 6 of the LAMA4 gene, results from a G to C substitution at nucleotide position 769. The glutamic acid at codon 257 is replaced by glutamine, an amino acid with highly similar properties. This amino acid position is not well conserved in available vertebrate species. In addition, this alteration is predicted to be tolerated by in silico analysis. The evidence for this gene-disease relationship is limited; therefore, the clinical significance of this alteration is unclear.